The following is an entry in ClinVar:

NM_001367624.2(ZNF469):c.11537G>A (p.Arg3846Gln)

Gene: ZNF469 (zinc finger protein 469; plus strand). Cytogenetic location: 16q24.2.
Variant type: single nucleotide variant.
Coding change: c.11537G>A on transcript NM_001367624.2 (MANE Select); coding-DNA position 11537, G replaced by A.
Protein change: p.Arg3846Gln; replaces arginine 3846 with glutamine.
Molecular consequence: missense variant.
Genome position (GRCh38, 1-based): chr16:88,439,007, G>A. VCF-style: chr16-88439007-G-A. GRCh37 (hg19) VCF-style: chr16-88505415-G-A.
Other names: NM_001127464.1:c.11453G>A; short protein forms R3846Q.
Identifiers: ClinVar variation 1371859 (VCV001371859.6), dbSNP rs542091960, ClinGen allele CA286388189.

ClinVar aggregate classification (germline): Uncertain significance. Review status: criteria provided, multiple submitters, no conflicts (2 of 4 stars). 2 submissions from 2 submitters: Uncertain significance (2). Last evaluated 2024-01-29.

Conditions:
Cardiovascular phenotype. Identifiers: MedGen CN230736.

Allele frequency attached by ClinVar (database versions not stated): gnomAD exomes 0.00003 and 0.00004; TOPMed 0.00004; 1000 Genomes Project 30x 0.00016; 1000 Genomes Project 0.00020.
gnomAD v4.1: 65 of 1,522,080 alleles (0.0043%); highest among the groups gnomAD compares: Middle Eastern, 0.017%; no homozygotes.

Submissions (2):

Ambry Genetics
Classification: Uncertain significance for Cardiovascular phenotype. Last evaluated: 2024-01-29. Review status: criteria provided, single submitter. Criteria: Ambry Variant Classification Scheme 2023. Collection method: clinical testing. Allele origin: germline.
Comment: The p.R3818Q variant (also known as c.11453G>A), located in coding exon 2 of the ZNF469 gene, results from a G to A substitution at nucleotide position 11453. The arginine at codon 3818 is replaced by glutamine, an amino acid with highly similar properties. This amino acid position is conserved. In addition, this alteration is predicted to be tolerated by in silico analysis. Based on the available evidence, the clinical significance of this alteration remains unclear.

Labcorp Genetics (formerly Invitae), Labcorp
Classification: Uncertain significance. Last evaluated: 2022-09-01. Review status: criteria provided, single submitter. Criteria: Invitae Variant Classification Sherloc (09022015). Collection method: clinical testing. Allele origin: germline.
Comment: This sequence change replaces arginine, which is basic and polar, with glutamine, which is neutral and polar, at codon 3818 of the ZNF469 protein (p.Arg3818Gln). This variant is present in population databases (rs542091960, gnomAD 0.01%). This variant has not been reported in the literature in individuals affected with ZNF469-related conditions. ClinVar contains an entry for this variant (Variation ID: 1371859). Algorithms developed to predict the effect of missense changes on protein structure and function are either unavailable or do not agree on the potential impact of this missense change (SIFT: "Tolerated"; PolyPhen-2: "Probably Damaging"; Align-GVGD: "Class C0"). Algorithms developed to predict the effect of sequence changes on RNA splicing suggest that this variant may create or strengthen a splice site. In summary, the available evidence is currently insufficient to determine the role of this variant in disease. Therefore, it has been classified as a Variant of Uncertain Significance.